The following is an entry in ClinVar:

NM_206926.2(SELENON):c.988C>T (p.Gln330Ter)

Gene: SELENON (selenoprotein N; plus strand). Cytogenetic location: 1p36.11.
Variant type: single nucleotide variant.
Coding change: c.988C>T on transcript NM_206926.2 (MANE Select); coding-DNA position 988, C replaced by T.
Protein change: p.Gln330Ter; replaces glutamine 330 with a stop codon.
Molecular consequence: nonsense.
Genome position (GRCh38, 1-based): chr1:25,811,533, C>T. VCF-style: chr1-25811533-C-T. GRCh37 (hg19) VCF-style: chr1-26138024-C-T.
Other names: c.1090C>T, p.Gln364Ter (NM_020451.3); short protein forms Q364*, Q330*.
Identifiers: ClinVar variation 280366 (VCV000280366.3), dbSNP rs886041584, ClinGen allele CA10602788.

ClinVar aggregate classification (germline): Pathogenic. Review status: criteria provided, single submitter (1 of 4 stars). 2 submissions from 2 submitters: Pathogenic (1). 1 of the submissions does not count toward it. Last evaluated 2016-03-30.

Conditions:
Congenital myopathy 4A, autosomal dominant (CMYO4A). Identifiers: MedGen CN178536, MONDO:0800341, OMIM 255310.

Submissions (2):

GeneDx
Classification: Pathogenic. Last evaluated: 2016-03-30. Review status: criteria provided, single submitter. Criteria: GeneDx Variant Classification (06012015). Collection method: clinical testing. Allele origin: germline. Affected: yes.
Comment: The Q364X nonsense variant in the SEPN1 gene is predicted to cause loss of normal protein function either through protein truncation or nonsense-mediated mRNA decay. The Q364X variant has not been published as a pathogenic variant, nor has it been reported as a benign variant to our knowledge. It was not observed in approximately 6,300 individuals of European and African American ancestry in the NHLBI Exome Sequencing Project, indicating it is not a common benign variant in these populations. Although this variant has not been reported previously to our knowledge, it is interpreted as a pathogenic variant.

Solve-RD Consortium
Classification: Likely pathogenic for Congenital myopathy 4A, autosomal dominant. Last evaluated: 2022-06-01. Review status: no assertion criteria provided. Collection method: provider interpretation. Allele origin: inherited. Affected: yes. Not counted in ClinVar's aggregate classification.
Comment: Variant confirmed as disease-causing by referring clinical team

Variant identified during reanalysis of unsolved cases by the Solve-RD project. The Solve-RD project has received funding from the European Union’s Horizon 2020 research and innovation programme under grant agreement No 779257.

Literature cited by the submitters: PubMed 39825153 (cited by Solve-RD Consortium).